The following is an entry in ClinVar:

ClinVar aggregate classification (germline): Conflicting classifications of pathogenicity. Review status: criteria provided, conflicting classifications (1 of 4 stars). 2 submissions from 2 submitters: Likely pathogenic (1); Uncertain significance (1). Last evaluated 2024-05-02.

gnomAD v4.1: 6 of 1,596,540 alleles (0.00038%); highest among the groups gnomAD compares: Non-Finnish European, 0.00052%; no homozygotes.

Submissions (2):

GeneDx
Classification: Uncertain significance. Last evaluated: 2024-05-02. Review status: criteria provided, single submitter. Criteria: GeneDx Variant Classification Process June 2021. Collection method: clinical testing. Allele origin: germline. Affected: yes.
Comment: Not observed at significant frequency in large population cohorts (gnomAD); Canonical splice site variant in a gene or region of a gene for which loss of function is not a well-established mechanism of disease; Has not been previously published as pathogenic or benign to our knowledge

Labcorp Genetics (formerly Invitae), Labcorp
Classification: Likely pathogenic. Last evaluated: 2024-02-23. Review status: criteria provided, single submitter. Criteria: Invitae Variant Classification Sherloc (09022015). Collection method: clinical testing. Allele origin: germline.
Comment: This sequence change affects a donor splice site in intron 2 of the EIF2B1 gene. It is expected to disrupt RNA splicing. Variants that disrupt the donor or acceptor splice site typically lead to a loss of protein function (PMID: 16199547), and loss-of-function variants in EIF2B1 are known to be pathogenic (PMID: 11835386, 32865661). The frequency data for this variant in the population databases is considered unreliable, as metrics indicate poor data quality at this position in the gnomAD database. Disruption of this splice site has been observed in individual(s) with EIF2B1-related conditions (PMID: 33432707). Algorithms developed to predict the effect of sequence changes on RNA splicing suggest that this variant may disrupt the consensus splice site. In summary, the currently available evidence indicates that the variant is pathogenic, but additional data are needed to prove that conclusively. Therefore, this variant has been classified as Likely Pathogenic.

Literature cited by the submitters: PubMed 16199547 (cited by Labcorp Genetics (formerly Invitae), Labcorp); PubMed 11835386 (cited by Labcorp Genetics (formerly Invitae), Labcorp); PubMed 32865661 (cited by Labcorp Genetics (formerly Invitae), Labcorp); PubMed 33432707 (cited by Labcorp Genetics (formerly Invitae), Labcorp).

NM_001414.4(EIF2B1):c.115+1G>T

Gene: EIF2B1 (eukaryotic translation initiation factor 2B subunit alpha; minus strand). Cytogenetic location: 12q24.31.
Variant type: single nucleotide variant.
Coding change: c.115+1G>T on transcript NM_001414.4 (MANE Select); the canonical splice donor site of the intron after coding-DNA position 115, G replaced by T.
Molecular consequence: splice donor variant.
Genome position (GRCh38, 1-based): chr12:123,632,344, C>A on the plus strand (G>T on the coding strand, the complement: EIF2B1 is on the minus strand). VCF-style: chr12-123632344-C-A. GRCh37 (hg19) VCF-style: chr12-124116891-C-A.
Identifiers: ClinVar variation 3375979 (VCV003375979.3).
Genomic context (GRCh38, chr12:123,632,344, plus strand): 5'-AAGAAAAGAAAAAAAAGACTATCCTAAGTCCCAGAGTGTTAACAGATGACTCTCTATATA[C>A]CTTTATCTCTCTTCAAGAACTCCAGCAACGTCCGGATGGCAGCCACTGCTGAGGCCATGT-3'